The following is an entry in ClinVar:

ClinVar aggregate classification (germline): Likely benign. Review status: criteria provided, multiple submitters, no conflicts (2 of 4 stars). 3 submissions from 3 submitters: Likely benign (3). Last evaluated 2026-03-20.

Conditions:
DRP2-related disorder. Also called: DRP2-related condition.

Allele frequency attached by ClinVar (database versions not stated): ExAC 0.00007; gnomAD exomes 0.00007; gnomAD 0.00010 and 0.00012; TOPMed 0.00011; ESP Exome Variant Server 0.00019; 1000 Genomes Project 30x 0.00042; 1000 Genomes Project 0.00053.
gnomAD v4.1: 187 of 1,210,204 alleles (0.015%); highest among the groups gnomAD compares: Non-Finnish European, 0.019%; no homozygotes.

Submissions (3):

PreventionGenetics, part of Exact Sciences
Classification: Likely benign for DRP2-related condition. Last evaluated: 2026-03-20. Review status: criteria provided, single submitter. Criteria: ACMG Guidelines, 2015. Collection method: clinical testing. Allele origin: germline.
Comment: This variant is classified as likely benign based on ACMG/AMP sequence variant interpretation guidelines (Richards et al. 2015 PMID: 25741868, with internal and published modifications).

Labcorp Genetics (formerly Invitae), Labcorp
Classification: Likely benign. Last evaluated: 2025-04-21. Review status: criteria provided, single submitter. Criteria: Invitae Variant Classification Sherloc (09022015). Collection method: clinical testing. Allele origin: germline.

CeGaT Center for Human Genetics Tuebingen
Classification: Likely benign. Last evaluated: 2018-08-01. Review status: criteria provided, single submitter. Criteria: CeGaT Center For Human Genetics Tuebingen Variant Classification Criteria Version 2. Collection method: clinical testing. Allele origin: germline. Affected: yes. Observed: 1 variant allele.

NM_001939.3(DRP2):c.2142C>T (p.His714=)

Gene: DRP2 (dystrophin related protein 2; plus strand). Cytogenetic location: Xq22.1.
Variant type: single nucleotide variant.
Coding change: c.2142C>T on transcript NM_001939.3 (MANE Select); coding-DNA position 2142, C replaced by T.
Protein change: p.His714=; no amino-acid change (histidine 714 retained).
Molecular consequence: synonymous variant.
Genome position (GRCh38, 1-based): chrX:101,254,886, C>T. VCF-style: chrX-101254886-C-T. GRCh37 (hg19) VCF-style: chrX-100509875-C-T.
Other names: c.1908C>T, p.His636= (NM_001171184.2).
Identifiers: ClinVar variation 794239 (VCV000794239.50), dbSNP rs374175660, ClinGen allele CA10472417.